The following is an entry in ClinVar:

NM_033225.6(CSMD1):c.1159A>G (p.Ile387Val)

Gene: CSMD1 (CUB and Sushi multiple domains 1; minus strand). Cytogenetic location: 8p23.2.
Variant type: single nucleotide variant.
Coding change: c.1159A>G on transcript NM_033225.6 (MANE Select); coding-DNA position 1159, A replaced by G.
Protein change: p.Ile387Val; replaces isoleucine 387 with valine.
Molecular consequence: missense variant.
Genome position (GRCh38, 1-based): chr8:3,586,199, T>C on the plus strand (A>G on the coding strand, the complement: CSMD1 is on the minus strand). VCF-style: chr8-3586199-T-C. GRCh37 (hg19) VCF-style: chr8-3443721-T-C.
Other names: short protein forms I387V.
Identifiers: ClinVar variation 4995253 (VCV004995253.1).

ClinVar aggregate classification (germline): Uncertain significance (1 of 4 stars; one submission).

Conditions:
CSMD1-related disorder. Also called: CSMD1-related condition.

Submission:

PreventionGenetics, part of Exact Sciences
Classification: Uncertain significance for CSMD1-related condition. Last evaluated: 2026-08-19. Review status: criteria provided, single submitter. Criteria: ACMG Guidelines, 2015. Collection method: clinical testing. Allele origin: germline.
Comment: The CSMD1 c.1159A>G variant is predicted to result in the amino acid substitution p.Ile387Val. To our knowledge, this variant has not been reported in the literature or in a large population database (gnomAD), indicating this variant is rare. At this time, the clinical significance of this variant is uncertain due to the absence of conclusive functional and genetic evidence.